The following is an entry in ClinVar:

ClinVar aggregate classification (germline): Uncertain significance. Review status: criteria provided, multiple submitters, no conflicts (2 of 4 stars). 2 submissions from 2 submitters: Uncertain significance (2). Last evaluated 2023-10-22.

Conditions:
Hereditary cancer-predisposing syndrome. Also called: Hereditary Cancer Syndrome; Hereditary neoplastic syndrome; Neoplastic Syndromes, Hereditary; Tumor predisposition. Identifiers: Orphanet 140162, MedGen C0027672, MeSH D009386, MONDO:0015356.

Submissions (2):

Ambry Genetics
Classification: Uncertain significance for Hereditary cancer-predisposing syndrome. Last evaluated: 2023-10-22. Review status: criteria provided, single submitter. Criteria: Ambry Variant Classification Scheme 2023. Collection method: clinical testing. Allele origin: germline.
Comment: The p.P58L variant (also known as c.173C>T), located in coding exon 2 of the RAD50 gene, results from a C to T substitution at nucleotide position 173. The proline at codon 58 is replaced by leucine, an amino acid with similar properties. This amino acid position is conserved. In addition, the in silico prediction for this alteration is inconclusive. Since supporting evidence is limited at this time, the clinical significance of this alteration remains unclear.

Labcorp Genetics (formerly Invitae), Labcorp
Classification: Uncertain significance for Hereditary cancer-predisposing syndrome. Last evaluated: 2022-07-24. Review status: criteria provided, single submitter. Criteria: Invitae Variant Classification Sherloc (09022015). Collection method: clinical testing. Allele origin: germline.
Comment: In summary, the available evidence is currently insufficient to determine the role of this variant in disease. Therefore, it has been classified as a Variant of Uncertain Significance. Algorithms developed to predict the effect of missense changes on protein structure and function are either unavailable or do not agree on the potential impact of this missense change (SIFT: "Deleterious"; PolyPhen-2: "Probably Damaging"; Align-GVGD: "Class C0"). ClinVar contains an entry for this variant (Variation ID: 1063948). This variant has not been reported in the literature in individuals affected with RAD50-related conditions. This variant is not present in population databases (gnomAD no frequency). This sequence change replaces proline, which is neutral and non-polar, with leucine, which is neutral and non-polar, at codon 58 of the RAD50 protein (p.Pro58Leu).

NM_005732.4(RAD50):c.173C>T (p.Pro58Leu)

Gene: RAD50 (RAD50 double strand break repair protein; plus strand). Cytogenetic location: 5q31.1.
Variant type: single nucleotide variant.
Coding change: c.173C>T on transcript NM_005732.4 (MANE Select); coding-DNA position 173, C replaced by T.
Protein change: p.Pro58Leu; replaces proline 58 with leucine.
Molecular consequence: missense variant.
Genome position (GRCh38, 1-based): chr5:132,559,327, C>T. VCF-style: chr5-132559327-C-T. GRCh37 (hg19) VCF-style: chr5-131895019-C-T.
Other names: short protein forms P58L.
Identifiers: ClinVar variation 1063948 (VCV001063948.11), dbSNP rs2149831299, ClinGen allele CA360953473.